The following is an entry in ClinVar:

NM_004407.4(DMP1):c.792T>A (p.Ser264Arg)

Genes: DMP1 (dentin matrix acidic phosphoprotein 1; plus strand), DMP1-AS1 (DMP1 and DSPP antisense RNA 1; minus strand). Cytogenetic location: 4q22.1.
Variant type: single nucleotide variant.
Coding change: c.792T>A on transcript NM_004407.4 (MANE Select); coding-DNA position 792, T replaced by A.
Protein change: p.Ser264Arg; replaces serine 264 with arginine.
Molecular consequence: missense variant.
Genome position (GRCh38, 1-based): chr4:87,662,570, T>A. VCF-style: chr4-87662570-T-A. GRCh37 (hg19) VCF-style: chr4-88583722-T-A.
Other names: c.744T>A, p.Ser248Arg (NM_001079911.3); short protein forms S264R, S248R.
Identifiers: ClinVar variation 1507209 (VCV001507209.5), dbSNP rs779258197, ClinGen allele CA3002091.

ClinVar aggregate classification (germline): Uncertain significance (1 of 4 stars; one submission).

Allele frequency attached by ClinVar (database versions not stated): gnomAD exomes below 0.00001 and 0.00002; ExAC 0.00002; TOPMed 0.00002.
gnomAD v4.1: 4 of 1,613,890 alleles (0.00025%); highest among the groups gnomAD compares: East Asian, 0.0067%; no homozygotes.

Submission:

Labcorp Genetics (formerly Invitae), Labcorp
Classification: Uncertain significance. Last evaluated: 2021-09-01. Review status: criteria provided, single submitter. Criteria: Invitae Variant Classification Sherloc (09022015). Collection method: clinical testing. Allele origin: germline.
Comment: This sequence change replaces serine with arginine at codon 264 of the DMP1 protein (p.Ser264Arg). The serine residue is moderately conserved and there is a moderate physicochemical difference between serine and arginine. This variant is present in population databases (rs779258197, ExAC 0.02%). This variant has not been reported in the literature in individuals affected with DMP1-related conditions. Algorithms developed to predict the effect of missense changes on protein structure and function output the following: SIFT: "Tolerated"; PolyPhen-2: "Benign"; Align-GVGD: "Class C0". The arginine amino acid residue is found in multiple mammalian species, which suggests that this missense change does not adversely affect protein function. In summary, the available evidence is currently insufficient to determine the role of this variant in disease. Therefore, it has been classified as a Variant of Uncertain Significance.